The following is an entry in ClinVar:

ClinVar aggregate classification (germline): Benign. Review status: criteria provided, multiple submitters, no conflicts (2 of 4 stars). 3 submissions from 3 submitters: Benign (3). Last evaluated 2023-11-12.

Allele frequency attached by ClinVar (database versions not stated): 1000 Genomes Project 0.23782; 1000 Genomes Project 30x 0.23798; TOPMed 0.27215; gnomAD 0.28397 and 0.28423.
gnomAD v4.1: 376,232 of 1,157,892 alleles (32%); highest among the groups gnomAD compares: Non-Finnish European, 35%; 64,016 homozygotes.

Submissions (3):

Unidad de Genómica Garrahan, Hospital de Pediatría Garrahan
Classification: Benign. Last evaluated: 2023-11-12. Review status: criteria provided, single submitter. Criteria: ACMG Guidelines, 2015. Collection method: clinical testing. Allele origin: germline. Affected: no. Observed: 45 variant alleles.
Comment: This variant is classified as Benign based on local population frequency. This variant was detected in 47% of patients studied by a panel of primary immunodeficiencies. Number of patients: 45. Only high quality variants are reported.

GeneDx
Classification: Benign. Last evaluated: 2021-05-14. Review status: criteria provided, single submitter. Criteria: GeneDx Variant Classification Process June 2021. Collection method: clinical testing. Allele origin: germline. Affected: yes.

Breakthrough Genomics
Classification: Benign. Review status: criteria provided, single submitter. Criteria: ACMG Guidelines, 2015. Collection method: not provided. Allele origin: germline. Inheritance: Autosomal dominant inheritance. Affected: yes.

NM_002661.5(PLCG2):c.194-92A>C

Gene: PLCG2 (phospholipase C gamma 2; plus strand). Cytogenetic location: 16q23.3.
Variant type: single nucleotide variant.
Coding change: c.194-92A>C on transcript NM_002661.5 (MANE Select); 92 bases into the intron before coding-DNA position 194, A replaced by C.
Molecular consequence: intron variant.
Genome position (GRCh38, 1-based): chr16:81,854,352, A>C. VCF-style: chr16-81854352-A-C. GRCh37 (hg19) VCF-style: chr16-81887957-A-C.
Identifiers: ClinVar variation 1270373 (VCV001270373.4), dbSNP rs4072830, ClinGen allele CA14288058.